The following is an entry in ClinVar:

NM_004006.3(DMD):c.8080T>G (p.Phe2694Val)

Gene: DMD (dystrophin; minus strand). Cytogenetic location: Xp21.1.
Variant type: single nucleotide variant.
Coding change: c.8080T>G on transcript NM_004006.3 (MANE Select); coding-DNA position 8080, T replaced by G.
Protein change: p.Phe2694Val; replaces phenylalanine 2694 with valine.
Molecular consequence: missense variant.
Genome position (GRCh38, 1-based): chrX:31,627,810, A>C on the plus strand (T>G on the coding strand, the complement: DMD is on the minus strand). VCF-style: chrX-31627810-A-C. GRCh37 (hg19) VCF-style: chrX-31645927-A-C.
Other names: c.8056T>G, p.Phe2686Val (NM_000109.4); c.8068T>G, p.Phe2690Val (NM_004009.3); c.7711T>G, p.Phe2571Val (NM_004010.3); c.4057T>G, p.Phe1353Val (NM_004011.4); c.4048T>G, p.Phe1350Val (NM_004012.4); c.700T>G, p.Phe234Val (NM_004013.3, NM_004020.4, NM_004021.3 and 2 more transcripts); short protein forms F234V, F2571V, F2690V, F1350V, F1353V, F2694V, F2686V.
Identifiers: ClinVar variation 3634801 (VCV003634801.2).

ClinVar aggregate classification (germline): Uncertain significance (1 of 4 stars; one submission).

Conditions:
Duchenne muscular dystrophy (DMD). Also called: MUSCULAR DYSTROPHY, PSEUDOHYPERTROPHIC PROGRESSIVE, DUCHENNE TYPE; Duchenne Muscular Dystrophy (DMD). Identifiers: Orphanet 98896, MedGen C0013264, MONDO:0010679, OMIM 310200.

Submission:

Labcorp Genetics (formerly Invitae), Labcorp
Classification: Uncertain significance for Duchenne muscular dystrophy. Last evaluated: 2025-08-11. Review status: criteria provided, single submitter. Criteria: Invitae Variant Classification Sherloc (09022015). Collection method: clinical testing. Allele origin: germline.
Comment: This sequence change replaces phenylalanine, which is neutral and non-polar, with valine, which is neutral and non-polar, at codon 2694 of the DMD protein (p.Phe2694Val). This variant is not present in population databases (gnomAD no frequency). This variant has not been reported in the literature in individuals affected with DMD-related conditions. ClinVar contains an entry for this variant (Variation ID: 3634801). Invitae Evidence Modeling of protein sequence and biophysical properties (such as structural, functional, and spatial information, amino acid conservation, physicochemical variation, residue mobility, and thermodynamic stability) indicates that this missense variant is not expected to disrupt DMD protein function with a negative predictive value of 95%. In summary, the available evidence is currently insufficient to determine the role of this variant in disease. Therefore, it has been classified as a Variant of Uncertain Significance.